The following is an entry in ClinVar:

ClinVar aggregate classification (germline): Uncertain significance (1 of 4 stars; one submission).

Submission:

GeneDx
Classification: Uncertain significance. Last evaluated: 2020-04-20. Review status: criteria provided, single submitter. Criteria: GeneDx Variant Classification Process June 2021. Collection method: clinical testing. Allele origin: germline. Affected: yes.
Comment: Not observed in large population cohorts (Lek et al., 2016); In silico analysis supports that this missense variant has a deleterious effect on protein structure/function; Has not been previously published as pathogenic or benign to our knowledge

NM_014271.4(IL1RAPL1):c.827A>G (p.Asp276Gly)

Gene: IL1RAPL1 (interleukin 1 receptor accessory protein like 1; plus strand). Cytogenetic location: Xp21.2.
Variant type: single nucleotide variant.
Coding change: c.827A>G on transcript NM_014271.4 (MANE Select); coding-DNA position 827, A replaced by G.
Protein change: p.Asp276Gly; replaces aspartic acid 276 with glycine.
Molecular consequence: missense variant.
Genome position (GRCh38, 1-based): chrX:29,917,512, A>G. VCF-style: chrX-29917512-A-G. GRCh37 (hg19) VCF-style: chrX-29935629-A-G.
Other names: short protein forms D276G.
Identifiers: ClinVar variation 1305609 (VCV001305609.2), dbSNP rs2147237817, ClinGen allele CA412635841.